The following is an entry in ClinVar:

ClinVar aggregate classification (germline): Likely benign (1 of 4 stars; one submission).

Allele frequency attached by ClinVar (database versions not stated): gnomAD 0.00020 and 0.00039; TOPMed 0.00039; gnomAD exomes 0.00054; 1000 Genomes Project 0.00180.
gnomAD v4.1: 95 of 214,462 alleles (0.044%); highest among the groups gnomAD compares: South Asian, 0.63%; 1 homozygote.

Submission:

CeGaT Center for Human Genetics Tuebingen
Classification: Likely benign. Last evaluated: 2023-06-01. Review status: criteria provided, single submitter. Criteria: CeGaT Center For Human Genetics Tuebingen Variant Classification Criteria Version 2. Collection method: clinical testing. Allele origin: germline. Affected: yes. Observed: 2 variant alleles.
Comment: KRAS: BS1

NM_033360.4(KRAS):c.*4549G>C

Gene: KRAS (KRas proto-oncogene, GTPase; minus strand). Cytogenetic location: 12p12.1.
Variant type: single nucleotide variant.
Coding change: c.*4549G>C on transcript NM_033360.4 (MANE Plus Clinical); 4549 bases downstream of the stop codon, G replaced by C.
Molecular consequence: 3 prime UTR variant.
Genome position (GRCh38, 1-based): chr12:25,205,367, C>G on the plus strand (G>C on the coding strand, the complement: KRAS is on the minus strand). VCF-style: chr12-25205367-C-G. GRCh37 (hg19) VCF-style: chr12-25358301-C-G.
Other names: c.*4428G>C (LRG_344t1, NM_001369787.1, NM_004985.5); c.*4549G>C (LRG_344t2, NM_001369786.1).
Identifiers: ClinVar variation 308056 (VCV000308056.29), dbSNP rs545014897, ClinGen allele CA10637054.